The following is an entry in ClinVar:

NM_000219.6(KCNE1):c.243C>G (p.Tyr81Ter)

Gene: KCNE1 (potassium voltage-gated channel subfamily E regulatory subunit 1; minus strand). Cytogenetic location: 21q22.12.
Variant type: single nucleotide variant.
Coding change: c.243C>G on transcript NM_000219.6 (MANE Select); coding-DNA position 243, C replaced by G.
Protein change: p.Tyr81Ter; replaces tyrosine 81 with a stop codon.
Molecular consequence: nonsense.
Genome position (GRCh38, 1-based): chr21:34,449,392, G>C on the plus strand (C>G on the coding strand, the complement: KCNE1 is on the minus strand). VCF-style: chr21-34449392-G-C. GRCh37 (hg19) VCF-style: chr21-35821690-G-C.
Other names: c.243C>G, p.Tyr81Ter (NM_001127668.4, NM_001127669.4, NM_001127670.4 and 4 more transcripts); short protein forms Y81*.
Identifiers: ClinVar variation 3374421 (VCV003374421.2).
Genomic context (GRCh38, chr21:34,449,392, plus strand): 5'-CTCCAGGACCCGGGCCTGGACATAGGCCTTGTCCTTCTCTTGCCAGGCATCGGACTCGAT[G>C]TAGACGTTGAATGGGTCGTTCGAGTGCTCCAGCTTCTTGGAGCGGATGTAGCTCAGCATG-3'

Conditions:
Long QT syndrome 5 (LQT5). Identifiers: Orphanet 101016, Orphanet 768, MedGen C1867904, MONDO:0013372, OMIM 613695.

Submission:

Roden Lab, Vanderbilt University Medical Center
No classification provided (evidence only). Condition: Long QT syndrome 5. Review status: no classification provided. Collection method: in vitro. Allele origin: not applicable. Functional consequence: Effect on ion channel function.
ClinVar note: "not provided" was previously submitted as the classification for the variant. However, the classification appeared to be based only on an observation of functional data so it was converted to no classification on 2025-07-30.